The following is an entry in ClinVar:

NM_003000.3(SDHB):c.344G>T (p.Arg115Leu)

Gene: SDHB (succinate dehydrogenase complex iron sulfur subunit B; minus strand). Cytogenetic location: 1p36.13.
Variant type: single nucleotide variant.
Coding change: c.344G>T on transcript NM_003000.3 (MANE Select); coding-DNA position 344, G replaced by T.
Protein change: p.Arg115Leu; replaces arginine 115 with leucine.
Molecular consequence: missense variant.
Genome position (GRCh38, 1-based): chr1:17,028,679, C>A on the plus strand (G>T on the coding strand, the complement: SDHB is on the minus strand). VCF-style: chr1-17028679-C-A. GRCh37 (hg19) VCF-style: chr1-17355174-C-A.
Other names: c.344G>T, p.Arg115Leu (NM_001407361.1); short protein forms R115L.
Identifiers: ClinVar variation 2929845 (VCV002929845.3), dbSNP rs200973284, ClinGen allele CA089592.

ClinVar aggregate classification (germline): Uncertain significance (1 of 4 stars; one submission).

Conditions:
Pheochromocytoma. Also called: MAX-Related Hereditary Paraganglioma-Pheochromocytoma Syndrome. Identifiers: Orphanet 29072, MedGen C0031511, MONDO:0008233, OMIM 171300, HP:0002666.
Gastrointestinal stromal tumor. Also called: Gastrointestinal stromal tumor, somatic; Gastrointestinal stroma tumor. Identifiers: Orphanet 44890, MedGen C0238198, MeSH D046152, MONDO:0011719, OMIM 606764, HP:0100723.
Pheochromocytoma/paraganglioma syndrome 4. Also called: CAROTID BODY TUMORS AND MULTIPLE EXTRAADRENAL PHEOCHROMOCYTOMAS; PARAGANGLIOMA, FAMILIAL MALIGNANT; PARAGANGLIOMAS, HEREDITARY EXTRAADRENAL; PHEOCHROMOCYTOMA, FAMILIAL EXTRAADRENAL; Paragangliomas 4; SDHB-Related Hereditary Paraganglioma-Pheochromocytoma Syndrome (Paragangliomas 4). Identifiers: Orphanet 29072, MedGen C1861848, MONDO:0007273, OMIM 115310.

gnomAD v4.1: 9 of 1,614,100 alleles (0.00056%); highest among the groups gnomAD compares: South Asian, 0.0088%; no homozygotes.

Submission:

Labcorp Genetics (formerly Invitae), Labcorp
Classification: Uncertain significance for Gastrointestinal stromal tumor; Pheochromocytoma/paraganglioma syndrome 4; Pheochromocytoma. Last evaluated: 2025-05-04. Review status: criteria provided, single submitter. Criteria: Invitae Variant Classification Sherloc (09022015). Collection method: clinical testing. Allele origin: germline.
Comment: This sequence change replaces arginine, which is basic and polar, with leucine, which is neutral and non-polar, at codon 115 of the SDHB protein (p.Arg115Leu). This variant is present in population databases (rs200973284, gnomAD 0.02%). This variant has not been reported in the literature in individuals affected with SDHB-related conditions. ClinVar contains an entry for this variant (Variation ID: 2929845). Invitae Evidence Modeling of protein sequence and biophysical properties (such as structural, functional, and spatial information, amino acid conservation, physicochemical variation, residue mobility, and thermodynamic stability) indicates that this missense variant is not expected to disrupt SDHB protein function with a negative predictive value of 80%. In summary, the available evidence is currently insufficient to determine the role of this variant in disease. Therefore, it has been classified as a Variant of Uncertain Significance.